The following is an entry in ClinVar:

ClinVar aggregate classification (germline): Uncertain significance (1 of 4 stars; one submission).

Conditions:
Inborn genetic diseases. Identifiers: MedGen C0950123, MeSH D030342.

gnomAD v4.1: 3 of 1,614,122 alleles (0.00019%); highest among the groups gnomAD compares: Non-Finnish European, 0.00017%; no homozygotes.

Submission:

Ambry Genetics
Classification: Uncertain significance for Inborn genetic diseases. Last evaluated: 2024-11-22. Review status: criteria provided, single submitter. Criteria: Ambry Variant Classification Scheme 2023. Collection method: clinical testing. Allele origin: germline.
Comment: The p.P1100L variant (also known as c.3299C>T), located in coding exon 33 of the FANCA gene, results from a C to T substitution at nucleotide position 3299. The proline at codon 1100 is replaced by leucine, an amino acid with similar properties. This amino acid position is conserved. In addition, this alteration is predicted to be tolerated by in silico analysis. Based on the available evidence, the clinical significance of this variant remains unclear.

NM_000135.4(FANCA):c.3299C>T (p.Pro1100Leu)

Gene: FANCA (FA complementation group A; minus strand). Cytogenetic location: 16q24.3.
Variant type: single nucleotide variant.
Coding change: c.3299C>T on transcript NM_000135.4 (MANE Select); coding-DNA position 3299, C replaced by T.
Protein change: p.Pro1100Leu; replaces proline 1100 with leucine.
Molecular consequence: missense variant.
Genome position (GRCh38, 1-based): chr16:89,748,708, G>A on the plus strand (C>T on the coding strand, the complement: FANCA is on the minus strand). VCF-style: chr16-89748708-G-A. GRCh37 (hg19) VCF-style: chr16-89815116-G-A.
Other names: c.3299C>T, p.Pro1100Leu (NM_001286167.3); short protein forms P1100L.
Identifiers: ClinVar variation 3512650 (VCV003512650.1).